The following is an entry in ClinVar:

NM_000528.4(MAN2B1):c.752A>T (p.Asp251Val)

Gene: MAN2B1 (mannosidase alpha class 2B member 1; minus strand). Cytogenetic location: 19p13.13.
Variant type: single nucleotide variant.
Coding change: c.752A>T on transcript NM_000528.4 (MANE Select); coding-DNA position 752, A replaced by T.
Protein change: p.Asp251Val; replaces aspartic acid 251 with valine.
Molecular consequence: missense variant.
Genome position (GRCh38, 1-based): chr19:12,663,714, T>A on the plus strand (A>T on the coding strand, the complement: MAN2B1 is on the minus strand). VCF-style: chr19-12663714-T-A. GRCh37 (hg19) VCF-style: chr19-12774528-T-A.
Other names: c.752A>T, p.Asp251Val (NM_001173498.2); short protein forms D251V.
Identifiers: ClinVar variation 2152452 (VCV002152452.1), dbSNP rs754932497, ClinGen allele CA9226722.
Genomic context (GRCh38, chr19:12,663,714, plus strand): 5'-TCTGAGTGTGTGGCACCATGGCTGGCCCTGCCCTCACCAAGCCCCCTACCAGTGAAGAGG[T>A]CCGCGGTCGGGGGCTTCAGGCTGGTGCTGGCCCGCCACACCTGCTCCATCTCCAGCTTCT-3'
Protein context (NP_000519.2, residues 241-261): ASTSLKPPTA[Asp251Val]LFTGVLPNGY

ClinVar aggregate classification (germline): Uncertain significance (1 of 4 stars; one submission).

Conditions:
Deficiency of alpha-mannosidase (MANSA). Also called: Mannosidosis, alpha-, types I and II; LYSOSOMAL ALPHA-D-MANNOSIDASE DEFICIENCY; Alpha-Mannosidosis. Identifiers: Orphanet 61, MedGen C0024748, MONDO:0009561, OMIM 248500.

Allele frequency attached by ClinVar (database versions not stated): gnomAD 0.00001; TOPMed 0.00002.
gnomAD v4.1: 17 of 1,610,790 alleles (0.0011%); highest among the groups gnomAD compares: Non-Finnish European, 0.0014%; no homozygotes.

Submission:

Labcorp Genetics (formerly Invitae), Labcorp
Classification: Uncertain significance for Deficiency of alpha-mannosidase. Last evaluated: 2022-08-05. Review status: criteria provided, single submitter. Criteria: Invitae Variant Classification Sherloc (09022015). Collection method: clinical testing. Allele origin: germline.
Comment: This sequence change replaces aspartic acid, which is acidic and polar, with valine, which is neutral and non-polar, at codon 251 of the MAN2B1 protein (p.Asp251Val). This variant is present in population databases (rs754932497, gnomAD 0.0009%). This variant has not been reported in the literature in individuals affected with MAN2B1-related conditions. Algorithms developed to predict the effect of missense changes on protein structure and function are either unavailable or do not agree on the potential impact of this missense change (SIFT: "Deleterious"; PolyPhen-2: "Probably Damaging"; Align-GVGD: "Class C15"). Algorithms developed to predict the effect of sequence changes on RNA splicing suggest that this variant may create or strengthen a splice site. In summary, the available evidence is currently insufficient to determine the role of this variant in disease. Therefore, it has been classified as a Variant of Uncertain Significance.